The following is an entry in ClinVar:

ClinVar aggregate classification (germline): Likely pathogenic (1 of 4 stars; one submission).

Conditions:
Joubert syndrome 25 (JBTS25). Identifiers: Orphanet 475, MedGen C4084842, MONDO:0014770, OMIM 616781.

Submission:

Labcorp Genetics (formerly Invitae), Labcorp
Classification: Likely pathogenic for Joubert syndrome 25. Last evaluated: 2025-02-06. Review status: criteria provided, single submitter. Criteria: Invitae Variant Classification Sherloc (09022015). Collection method: clinical testing. Allele origin: germline.
Comment: This sequence change affects a donor splice site in intron 10 of the CEP104 gene. It is expected to disrupt RNA splicing. Variants that disrupt the donor or acceptor splice site typically lead to a loss of protein function (PMID: 16199547), and loss-of-function variants in CEP104 are known to be pathogenic (PMID: 26477546). The frequency data for this variant in the population databases is considered unreliable, as metrics indicate poor data quality at this position in the gnomAD database. This variant has not been reported in the literature in individuals affected with CEP104-related conditions. Algorithms developed to predict the effect of sequence changes on RNA splicing suggest that this variant may disrupt the consensus splice site. In summary, the currently available evidence indicates that the variant is pathogenic, but additional data are needed to prove that conclusively. Therefore, this variant has been classified as Likely Pathogenic.

Literature cited by the submitters: PubMed 16199547; PubMed 26477546.

NM_014704.4(CEP104):c.1317+2T>G

Gene: CEP104 (centrosomal protein 104; minus strand). Cytogenetic location: 1p36.32.
Variant type: single nucleotide variant.
Coding change: c.1317+2T>G on transcript NM_014704.4 (MANE Select); the canonical splice donor site of the intron after coding-DNA position 1317, T replaced by G.
Molecular consequence: splice donor variant.
Genome position (GRCh38, 1-based): chr1:3,836,493, A>C on the plus strand (T>G on the coding strand, the complement: CEP104 is on the minus strand). VCF-style: chr1-3836493-A-C. GRCh37 (hg19) VCF-style: chr1-3753057-A-C.
Identifiers: ClinVar variation 4711104 (VCV004711104.1).
Genomic context (GRCh38, chr1:3,836,493, plus strand): 5'-CGTACCATATAGACTAGCCTCCCCTCTGCCACCCCGTTTTTTTTTTTTTTTTTTTTTTTT[A>C]CCAAGGTTTCTCCCAACACATCGATGGCAGAGCTGGCTTCTCTCAAGGCCTTCTCGGTTA-3'